The following is an entry in ClinVar:

ClinVar aggregate classification (germline): Pathogenic (1 of 4 stars; one submission).

Submission:

GeneDx
Classification: Pathogenic. Last evaluated: 2018-11-06. Review status: criteria provided, single submitter. Criteria: GeneDx Variant Classification (06012015). Collection method: clinical testing. Allele origin: germline. Affected: yes.
Comment: The S1506X nonsense variant in the SCN2A gene is predicted to cause loss of normal protein function either through protein truncation or nonsense-mediated mRNA decay. The S1506X variant is not observed in large population cohorts (Lek et al., 2016).

NM_001040142.2(SCN2A):c.4517C>A (p.Ser1506Ter)

Gene: SCN2A (sodium voltage-gated channel alpha subunit 2; plus strand). Cytogenetic location: 2q24.3.
Variant type: single nucleotide variant.
Coding change: c.4517C>A on transcript NM_001040142.2 (MANE Select); coding-DNA position 4517, C replaced by A.
Protein change: p.Ser1506Ter; replaces serine 1506 with a stop codon.
Molecular consequence: nonsense.
Genome position (GRCh38, 1-based): chr2:165,381,163, C>A. VCF-style: chr2-165381163-C-A. GRCh37 (hg19) VCF-style: chr2-166237673-C-A.
Other names: c.4517C>A, p.Ser1506Ter (NM_001040143.2, NM_001371246.1, NM_001371247.1 and 1 more transcripts); short protein forms S1506*.
Identifiers: ClinVar variation 620445 (VCV000620445.1), dbSNP rs1287017958, ClinGen allele CA349034843.